The following is an entry in ClinVar:

NM_006059.4(LAMC3):c.3499A>G (p.Arg1167Gly)

Gene: LAMC3 (laminin subunit gamma 3; plus strand). Cytogenetic location: 9q34.12.
Variant type: single nucleotide variant.
Coding change: c.3499A>G on transcript NM_006059.4 (MANE Select); coding-DNA position 3499, A replaced by G.
Protein change: p.Arg1167Gly; replaces arginine 1167 with glycine.
Molecular consequence: missense variant.
Genome position (GRCh38, 1-based): chr9:131,075,835, A>G. VCF-style: chr9-131075835-A-G. GRCh37 (hg19) VCF-style: chr9-133951222-A-G.
Other names: short protein forms R1167G.
Identifiers: ClinVar variation 392321 (VCV000392321.11), dbSNP rs561097705, ClinGen allele CA5287837.
Genomic context (GRCh38, chr9:131,075,835, plus strand): 5'-CCTGGGCCCCTTCCCTGCGAGCCCTTGGTAATGCTCAGGTGGGTGTCCTCACACAGCCAC[A>G]GAGACACCGCCACCAAGATCGCAGCCACTGCTTGGAGGGCCCTGCTCGCCTCCAACACCA-3'
Protein context (NP_006050.3, residues 1157-1177): TEARALARSH[Arg1167Gly]DTATKIAATA

ClinVar aggregate classification (germline): Uncertain significance. Review status: criteria provided, multiple submitters, no conflicts (2 of 4 stars). 3 submissions from 3 submitters: Uncertain significance (3). Last evaluated 2024-05-13.

Conditions:
Occipital pachygyria and polymicrogyria. Identifiers: Orphanet 280640, MedGen C3279875, MONDO:0013583, OMIM 614115.

Allele frequency attached by ClinVar (database versions not stated): gnomAD 0.00001 and 0.00003; gnomAD exomes 0.00005 and 0.00010; TOPMed 0.00006; ExAC 0.00010; 1000 Genomes Project 0.00040.
gnomAD v4.1: 82 of 1,611,036 alleles (0.0051%); highest among the groups gnomAD compares: East Asian, 0.18%; no homozygotes.

Submissions (3):

Fulgent Genetics
Classification: Uncertain significance for Occipital pachygyria and polymicrogyria. Last evaluated: 2024-05-13. Review status: criteria provided, single submitter. Criteria: ACMG Guidelines, 2015. Collection method: clinical testing. Allele origin: germline.

Labcorp Genetics (formerly Invitae), Labcorp
Classification: Uncertain significance. Last evaluated: 2022-01-13. Review status: criteria provided, single submitter. Criteria: Invitae Variant Classification Sherloc (09022015). Collection method: clinical testing. Allele origin: germline.
Comment: This sequence change replaces arginine, which is basic and polar, with glycine, which is neutral and non-polar, at codon 1167 of the LAMC3 protein (p.Arg1167Gly). This variant is present in population databases (rs561097705, gnomAD 0.1%). This variant has not been reported in the literature in individuals affected with LAMC3-related conditions. ClinVar contains an entry for this variant (Variation ID: 392321). Algorithms developed to predict the effect of missense changes on protein structure and function (SIFT, PolyPhen-2, Align-GVGD) all suggest that this variant is likely to be tolerated. In summary, the available evidence is currently insufficient to determine the role of this variant in disease. Therefore, it has been classified as a Variant of Uncertain Significance.

GeneDx
Classification: Uncertain significance. Last evaluated: 2019-10-02. Review status: criteria provided, single submitter. Criteria: GeneDx Variant Classification Process June 2021. Collection method: clinical testing. Allele origin: germline. Affected: yes.
Comment: In silico analysis, which includes protein predictors and evolutionary conservation, supports that this variant does not alter protein structure/function; Has not been previously published as pathogenic or benign to our knowledge